The following is an entry in ClinVar:

NM_000548.5(TSC2):c.4549C>G (p.Pro1517Ala)

Gene: TSC2 (TSC complex subunit 2; plus strand). Cytogenetic location: 16p13.3.
Variant type: single nucleotide variant.
Coding change: c.4549C>G on transcript NM_000548.5 (MANE Select); coding-DNA position 4549, C replaced by G.
Protein change: p.Pro1517Ala; replaces proline 1517 with alanine.
Molecular consequence: missense variant.
Genome position (GRCh38, 1-based): chr16:2,085,006, C>G. VCF-style: chr16-2085006-C-G. GRCh37 (hg19) VCF-style: chr16-2135007-C-G.
Other names: c.4348C>G, p.Pro1450Ala (NM_001077183.3); c.4480C>G, p.Pro1494Ala (NM_001114382.3); c.4240C>G, p.Pro1414Ala (NM_001318827.2); c.4204C>G, p.Pro1402Ala (NM_001318829.2); c.3817C>G, p.Pro1273Ala (NM_001318831.2); c.4381C>G, p.Pro1461Ala (NM_001318832.2); c.4351C>G, p.Pro1451Ala (NM_001363528.2); c.4417C>G, p.Pro1473Ala (NM_001370404.1); and 1 more; short protein forms P1273A, P1402A, P1414A, P1450A, P1451A, P1461A, P1473A, P1474A.
Identifiers: ClinVar variation 1021319 (VCV001021319.15), dbSNP rs1057522800, ClinGen allele CA394302993.
Genomic context (GRCh38, chr16:2,085,006, plus strand): 5'-TGCAGTTTCGTGTTCCTGCAGCTCTACCATTCCCCCTTCTTTGGCGACGAGTCAAACAAG[C>G]CAATCCTGCTGCCCAATGAGGTAGGCGTGGCCTCCCTCTCCTGCATCCGCTGGAGCTGTG-3'
Protein context (NP_000539.2, residues 1507-1527): SPFFGDESNK[Pro1517Ala]ILLPNESQSF

ClinVar aggregate classification (germline): Conflicting classifications of pathogenicity. Review status: criteria provided, conflicting classifications (1 of 4 stars). 4 submissions from 4 submitters: Uncertain significance (3); Likely benign (1). Last evaluated 2025-04-06.

Conditions:
Tuberous sclerosis 2 (TSC2). Identifiers: Orphanet 805, MedGen C1860707, MONDO:0013199, OMIM 613254.
Hereditary cancer-predisposing syndrome. Also called: Hereditary neoplastic syndrome; Neoplastic Syndromes, Hereditary; Tumor predisposition; Hereditary Cancer Syndrome. Identifiers: Orphanet 140162, MedGen C0027672, MeSH D009386, MONDO:0015356.

gnomAD v4.1: 7 of 1,613,432 alleles (0.00043%); highest among the groups gnomAD compares: African/African-American, 0.0013%; no homozygotes.

Submissions (4):

Ambry Genetics
Classification: Uncertain significance for Hereditary cancer-predisposing syndrome. Last evaluated: 2025-04-06. Review status: criteria provided, single submitter. Criteria: Ambry Variant Classification Scheme 2023. Collection method: clinical testing. Allele origin: germline.
Comment: The p.P1517A variant (also known as c.4549C>G), located in coding exon 34 of the TSC2 gene, results from a C to G substitution at nucleotide position 4549. The proline at codon 1517 is replaced by alanine, an amino acid with highly similar properties. This amino acid position is conserved. In addition, this alteration is predicted to be deleterious by in silico analysis. Since supporting evidence is limited at this time, the clinical significance of this alteration remains unclear.

Labcorp Genetics (formerly Invitae), Labcorp
Classification: Likely benign for Tuberous sclerosis 2. Last evaluated: 2024-11-03. Review status: criteria provided, single submitter. Criteria: Invitae Variant Classification Sherloc (09022015). Collection method: clinical testing. Allele origin: germline.

Genome-Nilou Lab
Classification: Uncertain significance for Tuberous sclerosis 2. Last evaluated: 2021-11-07. Review status: criteria provided, single submitter. Criteria: ACMG Guidelines, 2015. Collection method: clinical testing. Allele origin: germline. Affected: no.

GeneDx
Classification: Uncertain significance. Last evaluated: 2020-11-03. Review status: criteria provided, single submitter. Criteria: GeneDx Variant Classification Process June 2021. Collection method: clinical testing. Allele origin: germline. Affected: yes.
Comment: Not observed in large population cohorts (Lek 2016); In silico analysis supports that this missense variant has a deleterious effect on protein structure/function; Has not been previously published as pathogenic or benign to our knowledge